The following is an entry in ClinVar:

ClinVar aggregate classification (germline): Benign/Likely benign. Review status: criteria provided, multiple submitters, no conflicts (2 of 4 stars). 2 submissions from 2 submitters: Benign (1); Likely benign (1). Last evaluated 2026-09-01.

Submissions (2):

CeGaT Center for Human Genetics Tuebingen
Classification: Benign. Last evaluated: 2026-09-01. Review status: criteria provided, single submitter. Criteria: CeGaT Center For Human Genetics Tuebingen Variant Classification Criteria Version 2. Collection method: clinical testing. Allele origin: germline. Affected: yes. Observed: 5 variant alleles.
Comment: SIN3B: BS1, BS2

Laboratory of Genetics, Children's Clinical University Hospital Latvia
Classification: Likely benign. Last evaluated: 2025-02-16. Review status: criteria provided, single submitter. Criteria: ACMG Guidelines, 2015. Collection method: clinical testing. Allele origin: germline. Affected: yes.

NM_001297595.2(SIN3B):c.20GCAGCGGTG[3] (p.Gly12_Ala13insGlySerGly)

Gene: SIN3B (SIN3 transcription regulator family member B; plus strand). Cytogenetic location: 19p13.11.
Variant type: Microsatellite.
Coding change: c.20GCAGCGGTG[3] on transcript NM_001297595.2 (MANE Select); three copies in a row of the 9-base unit GCAGCGGTG starting at c.20; the reference has two copies in a row; one copy, 9 bases duplicated.
Protein change: p.Gly12_Ala13insGlySerGly.
Genome position (GRCh38, 1-based): chr19:16,829,449-16,829,457, GCAGCGGTG duplicated; duplicating any 9 consecutive bases within chr19:16,829,434-16,829,457 gives the same sequence; the position shown is the placement nearest the transcript's 3' end. VCF-style (leftmost placement, unchanged base first): chr19-16829433-G-GGCGGTGGCA. GRCh37 (hg19) VCF-style: chr19-16940244-G-GGCGGTGGCA.
Other names: c.20GCAGCGGTG[3], p.Gly12_Ala13insGlySerGly (NM_015260.4).
Identifiers: ClinVar variation 3911378 (VCV003911378.9).